The following is an entry in ClinVar:

NM_001135022.2(ELMOD3):c.548C>T (p.Thr183Ile)

Gene: ELMOD3 (ELMO domain containing 3; plus strand). Cytogenetic location: 2p11.2.
Variant type: single nucleotide variant.
Coding change: c.548C>T on transcript NM_001135022.2 (MANE Select); coding-DNA position 548, C replaced by T.
Protein change: p.Thr183Ile; replaces threonine 183 with isoleucine.
Molecular consequence: missense variant. On other transcripts: non-coding transcript variant (1).
Genome position (GRCh38, 1-based): chr2:85,371,503, C>T. VCF-style: chr2-85371503-C-T. GRCh37 (hg19) VCF-style: chr2-85598626-C-T.
Other names: c.548C>T, p.Thr183Ile (NM_001135021.2, NM_001135023.2, NM_001329791.2 and 3 more transcripts); short protein forms T183I.
Identifiers: ClinVar variation 1361917 (VCV001361917.10), dbSNP rs780663226, ClinGen allele CA51727108.

ClinVar aggregate classification (germline): Uncertain significance. Review status: criteria provided, multiple submitters, no conflicts (2 of 4 stars). 2 submissions from 2 submitters: Uncertain significance (2). Last evaluated 2025-11-20.

Allele frequency attached by ClinVar (database versions not stated): gnomAD exomes below 0.00001 and 0.00003; TOPMed 0.00003; gnomAD 0.00004.
gnomAD v4.1: 50 of 1,614,112 alleles (0.0031%); highest among the groups gnomAD compares: Non-Finnish European, 0.0041%; no homozygotes.

Submissions (2):

Ambry Genetics
Classification: Uncertain significance. Last evaluated: 2025-11-20. Review status: criteria provided, single submitter. Criteria: Ambry Variant Classification Scheme 2023. Collection method: clinical testing. Allele origin: germline.

Labcorp Genetics (formerly Invitae), Labcorp
Classification: Uncertain significance. Last evaluated: 2023-12-06. Review status: criteria provided, single submitter. Criteria: Invitae Variant Classification Sherloc (09022015). Collection method: clinical testing. Allele origin: germline.
Comment: This sequence change replaces threonine, which is neutral and polar, with isoleucine, which is neutral and non-polar, at codon 183 of the ELMOD3 protein (p.Thr183Ile). This variant is present in population databases (rs780663226, gnomAD 0.002%). This variant has not been reported in the literature in individuals affected with ELMOD3-related conditions. ClinVar contains an entry for this variant (Variation ID: 1361917). Advanced modeling of protein sequence and biophysical properties (such as structural, functional, and spatial information, amino acid conservation, physicochemical variation, residue mobility, and thermodynamic stability) performed at Invitae indicates that this missense variant is not expected to disrupt ELMOD3 protein function with a negative predictive value of 80%. In summary, the available evidence is currently insufficient to determine the role of this variant in disease. Therefore, it has been classified as a Variant of Uncertain Significance.